The following is an entry in ClinVar:

NM_001040716.2(PC):c.52C>T (p.Arg18Ter)

Gene: PC (pyruvate carboxylase; minus strand). Cytogenetic location: 11q13.2.
Variant type: single nucleotide variant.
Coding change: c.52C>T on transcript NM_001040716.2 (MANE Select); coding-DNA position 52, C replaced by T.
Protein change: p.Arg18Ter; replaces arginine 18 with a stop codon.
Molecular consequence: nonsense.
Genome position (GRCh38, 1-based): chr11:66,872,108, G>A on the plus strand (C>T on the coding strand, the complement: PC is on the minus strand). VCF-style: chr11-66872108-G-A. GRCh37 (hg19) VCF-style: chr11-66639579-G-A.
Other names: c.52C>T, p.Arg18Ter (NM_000920.4, NM_022172.3); short protein forms R18*.
Identifiers: ClinVar variation 554170 (VCV000554170.7), dbSNP rs144583275, ClinGen allele CA381503550.

ClinVar aggregate classification (germline): Pathogenic/Likely pathogenic. Review status: criteria provided, multiple submitters, no conflicts (2 of 4 stars). 3 submissions from 3 submitters: Pathogenic (1); Likely pathogenic (1). 1 of the submissions does not count toward it. Last evaluated 2023-10-11.

Conditions:
Pyruvate carboxylase deficiency. Also called: ATAXIA WITH LACTIC ACIDOSIS II; LEIGH NECROTIZING ENCEPHALOPATHY DUE TO PYRUVATE CARBOXYLASE DEFICIENCY; LEIGH SYNDROME DUE TO PYRUVATE CARBOXYLASE DEFICIENCY; PC DEFICIENCY; Pyruvate Carboxylase Deficiency Disease. Identifiers: Orphanet 3008, MedGen C0034341, MONDO:0009949, OMIM 266150.

gnomAD v4.1: 1 of 1,574,486 alleles (0.000064%); highest among the groups gnomAD compares: Non-Finnish European, 0.000086%; no homozygotes.

Submissions (3):

Baylor Genetics
Classification: Likely pathogenic for Pyruvate carboxylase deficiency. Last evaluated: 2023-10-11. Review status: criteria provided, single submitter. Criteria: ACMG Guidelines, 2015. Collection method: clinical testing. Allele origin: unknown.

Labcorp Genetics (formerly Invitae), Labcorp
Classification: Pathogenic for Pyruvate carboxylase deficiency. Last evaluated: 2022-05-20. Review status: criteria provided, single submitter. Criteria: Invitae Variant Classification Sherloc (09022015). Collection method: clinical testing. Allele origin: germline.
Comment: For these reasons, this variant has been classified as Pathogenic. ClinVar contains an entry for this variant (Variation ID: 554170). This variant has not been reported in the literature in individuals affected with PC-related conditions. The frequency data for this variant in the population databases is considered unreliable, as metrics indicate poor data quality at this position in the gnomAD database. This sequence change creates a premature translational stop signal (p.Arg18*) in the PC gene. It is expected to result in an absent or disrupted protein product. Loss-of-function variants in PC are known to be pathogenic (PMID: 12112657, 19306334).

Counsyl
Classification: Likely pathogenic for Pyruvate carboxylase deficiency. Last evaluated: 2017-09-28. Review status: no assertion criteria provided. Collection method: clinical testing. Allele origin: unknown. Not counted in ClinVar's aggregate classification.

Literature cited by the submitters: PubMed 12112657 (cited by Labcorp Genetics (formerly Invitae), Labcorp); PubMed 19306334 (cited by Labcorp Genetics (formerly Invitae), Labcorp).